The following is an entry in ClinVar:

NM_000975.5(RPL11):c.143_144del (p.Pro48fs)

Gene: RPL11 (ribosomal protein L11; plus strand). Cytogenetic location: 1p36.11.
Variant type: Deletion.
Coding change: c.143_144del on transcript NM_000975.5 (MANE Select); coding-DNA positions 143 to 144, 2 bases deleted (CT; older notation c.143_144delCT).
Protein change: p.Pro48fs; shifts the reading frame from proline 48.
Molecular consequence: frameshift variant.
Genome position (GRCh38, 1-based): chr1:23,692,745-23,692,746, CT deleted. VCF-style (leftmost placement, unchanged base first): chr1-23692744-CCT-C. GRCh37 (hg19) VCF-style: chr1-24019234-CCT-C.
Other names: c.143_144del, p.Pro48fs (LRG_1140t1); c.140_141del, p.Pro47fs (NM_001199802.1); c.143_144del (NM_000975.3); c.143_144delCT (NM_000975.3); short protein forms P48fs, P47fs.
Identifiers: ClinVar variation 451147 (VCV000451147.4), dbSNP rs1553121689, ClinGen allele CA658656894.
Genomic context (GRCh38, chr1:23,692,744, plus strand): 5'-GAGAGTGGAGACAGACTGACGCGAGCAGCCAAGGTGTTGGAGCAGCTCACAGGGCAGACC[CCT>C]GTGTTTTCCAAAGGTGAGTAGTCACAAGGACATACAGGGTTTGCCTGCTTGGGTCGCTTG-3'

ClinVar aggregate classification (germline): Pathogenic. Review status: criteria provided, multiple submitters, no conflicts (2 of 4 stars). 2 submissions from 2 submitters: Pathogenic (2). Last evaluated 2025-10-15.

Conditions:
Diamond-Blackfan anemia 7 (DBA7). Also called: RPL11-Related Diamond-Blackfan Anemia. Identifiers: Orphanet 124, MedGen C2675512, MONDO:0012938, OMIM 612562.

Submissions (2):

Precision Medical Center, Wuhan Children's Hospital
Classification: Pathogenic for Diamond-Blackfan anemia 7. Last evaluated: 2025-10-15. Review status: criteria provided, single submitter. Criteria: ACMG Guidelines, 2015. Collection method: clinical testing. Allele origin: germline. Inheritance: Autosomal dominant inheritance. Affected: yes. Observed: 1 heterozygote.
Comment: c.140_141del is an frameshift mutation. Certain types of variants (e.g., nonsense, frameshift, canonical ±1 or 2 splice sites, initiation codon, single exon or multiexon deletion) can often be assumed to disrupt gene function by leading to a complete absence of the gene product by lack of transcription or nonsense-mediated decay of an altered transcript(PVS1); A variant observed to have arisen de novo (parental samples testing negative) is considered strong support for pathogenicity if the following conditions are met: (i) Both parental samples were shown through identity testing to be from the biological parents of the patient(PS2). Variant is absent from a large general population or a control cohort (>1,000 individuals) and the population is race-matched to the patient harboring the identified variant, then this observation can be considered a moderate piece of evidence for pathogenicity (PM2). In summary, this variant meets criteria to be classified as pathogenic.

GeneDx
Classification: Pathogenic. Last evaluated: 2025-06-06. Review status: criteria provided, single submitter. Criteria: GeneDx Variant Classification Process June 2021. Collection method: clinical testing. Allele origin: germline. Affected: yes.
Comment: Frameshift variant predicted to result in protein truncation or nonsense mediated decay in a gene for which loss of function is a known mechanism of disease; Not observed at significant frequency in large population cohorts (gnomAD); Has not been previously published as pathogenic or benign to our knowledge

Literature cited by the submitters: PubMed 19191325 (cited by Precision Medical Center, Wuhan Children's Hospital).